The following is an entry in ClinVar:

NM_024675.4(PALB2):c.2096C>G (p.Ser699Cys)

Gene: PALB2 (partner and localizer of BRCA2; minus strand). Cytogenetic location: 16p12.2.
Variant type: single nucleotide variant.
Coding change: c.2096C>G on transcript NM_024675.4 (MANE Select); coding-DNA position 2096, C replaced by G.
Protein change: p.Ser699Cys; replaces serine 699 with cysteine.
Molecular consequence: missense variant.
Genome position (GRCh38, 1-based): chr16:23,630,058, G>C on the plus strand (C>G on the coding strand, the complement: PALB2 is on the minus strand). VCF-style: chr16-23630058-G-C. GRCh37 (hg19) VCF-style: chr16-23641379-G-C.
Other names: short protein forms S699C.
Identifiers: ClinVar variation 231670 (VCV000231670.19), dbSNP rs780397699, ClinGen allele CA7963624.
Genomic context (GRCh38, chr16:23,630,058, plus strand): 5'-GGCCTGTCATTATCATCAGGCGCAACCGTATTTAAAGGAGTATAAAGTAATATGGATGAA[G>C]AAAGGCCCGTCTTTGTATGCTGGCTTTGCGAGTTTGGCCTTTTGGGATGTGATTTTCCTG-3'
Protein context (NP_078951.2, residues 689-709): SQSQHTKTGL[Ser699Cys]SSILLYTPLN

ClinVar aggregate classification (germline): Uncertain significance. Review status: criteria provided, multiple submitters, no conflicts (2 of 4 stars). 4 submissions from 4 submitters: Uncertain significance (4). Last evaluated 2026-01-11.

Conditions:
Hereditary cancer-predisposing syndrome. Also called: Hereditary Cancer Syndrome; Neoplastic Syndromes, Hereditary; Tumor predisposition; Hereditary neoplastic syndrome. Identifiers: Orphanet 140162, MedGen C0027672, MeSH D009386, MONDO:0015356.
Fanconi anemia complementation group N. Also called: PALB2-Related Fanconi Anemia. Identifiers: Orphanet 84, MedGen C1835817, MONDO:0012565, OMIM 610832. Disease mechanism: loss of function.
Pancreatic cancer, susceptibility to, 3. Identifiers: Orphanet 1333, MedGen C3150547, MONDO:0013236, OMIM 613348.
Familial cancer of breast. Also called: Hereditary breast cancer; hereditary breast carcinoma; BREAST CANCER, FAMILIAL. Identifiers: Orphanet 227535, MedGen C0346153, MONDO:0016419, OMIM 114480. Disease mechanism: loss of function.

Allele frequency attached by ClinVar (database versions not stated): gnomAD exomes below 0.00001; ExAC 0.00001; gnomAD 0.00001; TOPMed 0.00001.
gnomAD v4.1: 7 of 1,614,072 alleles (0.00043%); highest among the groups gnomAD compares: African/African-American, 0.0013%; no homozygotes.

Submissions (4):

Labcorp Genetics (formerly Invitae), Labcorp
Classification: Uncertain significance for Familial cancer of breast. Last evaluated: 2026-01-11. Review status: criteria provided, single submitter. Criteria: Invitae Variant Classification Sherloc (09022015). Collection method: clinical testing. Allele origin: germline.
Comment: This sequence change replaces serine, which is neutral and polar, with cysteine, which is neutral and slightly polar, at codon 699 of the PALB2 protein (p.Ser699Cys). This variant is present in population databases (rs780397699, gnomAD 0.007%). This missense change has been observed in individual(s) with breast cancer (PMID: 28664506). ClinVar contains an entry for this variant (Variation ID: 231670). Invitae Evidence Modeling of protein sequence and biophysical properties (such as structural, functional, and spatial information, amino acid conservation, physicochemical variation, residue mobility, and thermodynamic stability) indicates that this missense variant is not expected to disrupt PALB2 protein function with a negative predictive value of 80%. In summary, the available evidence is currently insufficient to determine the role of this variant in disease. Therefore, it has been classified as a Variant of Uncertain Significance.

Ambry Genetics
Classification: Uncertain significance for Hereditary cancer-predisposing syndrome. Last evaluated: 2024-03-21. Review status: criteria provided, single submitter. Criteria: Ambry Variant Classification Scheme 2023. Collection method: clinical testing. Allele origin: germline.
Comment: The p.S699C variant (also known as c.2096C>G), located in coding exon 5 of the PALB2 gene, results from a C to G substitution at nucleotide position 2096. The serine at codon 699 is replaced by cysteine, an amino acid with dissimilar properties. This variant was identified in 1/467 Malaysian breast cancer patients (Yang XR et al. Breast Cancer Res Treat, 2017 Oct;165:687-697). This amino acid position is well conserved in available vertebrate species. In addition, this alteration is predicted to be tolerated by in silico analysis. Based on the available evidence, the clinical significance of this alteration remains unclear.

Color Diagnostics, LLC DBA Color Health
Classification: Uncertain significance for Hereditary cancer-predisposing syndrome. Last evaluated: 2022-09-08. Review status: criteria provided, single submitter. Criteria: ACMG Guidelines, 2015. Collection method: clinical testing. Allele origin: germline.
Comment: This missense variant replaces serine with cysteine at codon 699 of the PALB2 protein. Computational prediction suggests that this variant may not impact protein structure and function (internally defined REVEL score threshold <= 0.5, PMID: 27666373). To our knowledge, functional studies have not been reported for this variant. This variant has been reported in an individual affected with breast cancer (PMID: 28664506). This variant has been identified in 1/251488 chromosomes in the general population by the Genome Aggregation Database (gnomAD). The available evidence is insufficient to determine the role of this variant in disease conclusively. Therefore, this variant is classified as a Variant of Uncertain Significance.

Fulgent Genetics
Classification: Uncertain significance for Familial cancer of breast; Fanconi anemia complementation group N; Pancreatic cancer, susceptibility to, 3. Last evaluated: 2022-02-04. Review status: criteria provided, single submitter. Criteria: ACMG Guidelines, 2015. Collection method: clinical testing. Allele origin: unknown.

Literature cited by the submitters: PubMed 28664506 (cited by 3 submitters).